The following is an entry in ClinVar:

ClinVar aggregate classification (germline): Pathogenic/Likely pathogenic. Review status: criteria provided, multiple submitters, no conflicts (2 of 4 stars). 5 submissions from 5 submitters: Pathogenic (3); Likely pathogenic (2). Last evaluated 2024-06-14.

Conditions:
Bardet-Biedl syndrome (BBS). Identifiers: Orphanet 110, MedGen C0752166, MONDO:0015229.
Bardet-Biedl syndrome 10 (BBS10). Identifiers: Orphanet 110, MedGen C1859568, MONDO:0014438, OMIM 615987.

Allele frequency attached by ClinVar (database versions not stated): gnomAD exomes below 0.00001.

Submissions (5):

Fulgent Genetics
Classification: Likely pathogenic for Bardet-Biedl syndrome 10. Last evaluated: 2024-06-14. Review status: criteria provided, single submitter. Criteria: ACMG Guidelines, 2015. Collection method: clinical testing. Allele origin: germline.

Baylor Genetics
Classification: Pathogenic for Bardet-Biedl syndrome 10. Last evaluated: 2023-03-17. Review status: criteria provided, single submitter. Criteria: ACMG Guidelines, 2015. Collection method: clinical testing. Allele origin: unknown.

Labcorp Genetics (formerly Invitae), Labcorp
Classification: Pathogenic for Bardet-Biedl syndrome. Last evaluated: 2023-01-18. Review status: criteria provided, single submitter. Criteria: Invitae Variant Classification Sherloc (09022015). Collection method: clinical testing. Allele origin: germline.
Comment: For these reasons, this variant has been classified as Pathogenic. This variant disrupts a region of the BBS10 protein in which other variant(s) (p.Val707*) have been determined to be pathogenic (PMID: 20472660, 22773737, 25982971, 27486776). This suggests that this is a clinically significant region of the protein, and that variants that disrupt it are likely to be disease-causing. ClinVar contains an entry for this variant (Variation ID: 419326). This variant has not been reported in the literature in individuals affected with BBS10-related conditions. This variant is not present in population databases (gnomAD no frequency). This sequence change creates a premature translational stop signal (p.Asp216Glyfs*39) in the BBS10 gene. While this is not anticipated to result in nonsense mediated decay, it is expected to disrupt the last 508 amino acid(s) of the BBS10 protein.

Laboratory for Molecular Medicine, Mass General Brigham Personalized Medicine
Classification: Likely pathogenic for Bardet-Biedl syndrome. Last evaluated: 2018-12-26. Review status: criteria provided, single submitter. Criteria: LMM Criteria. Collection method: clinical testing. Allele origin: germline. Inheritance: Autosomal recessive inheritance. Observed: 1 variant allele.
Comment: The p.Asp216GlyfsX39 variant in BBS10 has not been previously reported in indivi duals with Bardet-Biedl syndrome but has been reported in ClinVar (Variation ID: 419326). This variant was absent from large population studies. This variant is predicted to cause a frameshift, which alters the protein?s amino acid sequence beginning at position 216 and leads to a premature termination codon 39 amino a cids downstream. This alteration is then predicted to lead to a truncated or abs ent protein. Heterozygous loss of function of the BBS10 gene is an established d isease mechanism in Bardet-Biedl syndrome. In summary, although additional studi es are required to fully establish its clinical significance, the p.Asp216GlyfsX 39 variant is likely pathogenic. ACMG/AMP Criteria applied: PVS1, PM2.

GeneDx
Classification: Pathogenic. Last evaluated: 2015-07-21. Review status: criteria provided, single submitter. Criteria: GeneDx Variant Classification (06012015). Collection method: clinical testing. Allele origin: germline. Affected: yes.
Comment: The c.646dupG duplication in the BBS10 gene has not been reported previously as a pathogenic variant nor as a benign polymorphism, to our knowledge. The c.646dupG duplication causes a frameshiftstarting with codon Aspartic acid 216, changes this amino acid to a Glycine residue, and creates apremature Stop codon at position 39 of the new reading frame, denoted p.Asp216GlyfsX39. This variant is predicted to cause loss of normal protein function through protein truncation. The c.646dupG duplication was not observed in approximately 6,500 individuals of European and African American ancestry in theNHLBI Exome Sequencing Project, indicating it is not a common benign variant in these populations. Weinterpret c.646dupG as a pathogenic variant.

Literature cited by the submitters: PubMed 20472660 (cited by Labcorp Genetics (formerly Invitae), Labcorp); PubMed 22773737 (cited by Labcorp Genetics (formerly Invitae), Labcorp); PubMed 25982971 (cited by Labcorp Genetics (formerly Invitae), Labcorp); PubMed 27486776 (cited by Labcorp Genetics (formerly Invitae), Labcorp).

NM_024685.4(BBS10):c.646dup (p.Asp216fs)

Gene: BBS10 (Bardet-Biedl syndrome 10; minus strand). Cytogenetic location: 12q21.2.
Variant type: Duplication.
Coding change: c.646dup on transcript NM_024685.4 (MANE Select); coding-DNA position 646, one base duplicated (G; older notation c.646dupG).
Protein change: p.Asp216fs; shifts the reading frame from aspartic acid 216.
Molecular consequence: frameshift variant.
Genome position (GRCh38, 1-based): chr12:76,347,339, C duplicated on the plus strand (G on the coding strand, the reverse complement: BBS10 is on the minus strand). VCF-style (leftmost placement, unchanged base first): chr12-76347338-T-TC. GRCh37 (hg19) VCF-style: chr12-76741118-T-TC.
Other names: p.Asp216GlyfsX39; c.646dup, p.Asp216fs (LRG_1255t1); short protein forms D216fs.
Identifiers: ClinVar variation 419326 (VCV000419326.15), dbSNP rs1555202695, ClinGen allele CA16619589.